The following is an entry in ClinVar:

ClinVar aggregate classification (germline): Conflicting classifications of pathogenicity. Review status: criteria provided, conflicting classifications (1 of 4 stars). 4 submissions from 4 submitters: Uncertain significance (3); Likely benign (1). Last evaluated 2026-03-06.

Conditions:
DSP-related disorder. Also called: DSP-related condition; DSP-related disorders.
Cardiomyopathy (CMYO). Also called: Cardiomyopathies. Identifiers: Orphanet 167848, MedGen C0878544, MONDO:0004994, HP:0001638. Inheritance: Various modes of inheritance.
Arrhythmogenic cardiomyopathy with wooly hair and keratoderma. Also called: Arrhythmogenic cardiomyopathy with woolly hair and keratoderma; PALMOPLANTAR KERATODERMA WITH LEFT VENTRICULAR CARDIOMYOPATHY AND WOOLLY HAIR; Carvajal syndrome; Dilated cardiomyopathy with woolly hair and keratoderma. Identifiers: Orphanet 65282, MedGen C1854063, MONDO:0011581, OMIM 605676.
Arrhythmogenic right ventricular dysplasia 8 (ARVD8). Also called: Arrhythmogenic Right Ventricular Dysplasia/Cardiomyopathy 8; ARRHYTHMOGENIC RIGHT VENTRICULAR DYSPLASIA, FAMILIAL, 8; ARRHYTHMOGENIC RIGHT VENTRICULAR CARDIOMYOPATHY 8. Identifiers: MedGen C1843896, MONDO:0011831, OMIM 607450.

Allele frequency attached by ClinVar (database versions not stated): gnomAD 0.00001; ExAC 0.00002; gnomAD exomes 0.00002; TOPMed below 0.00001.
gnomAD v4.1: 18 of 1,613,622 alleles (0.0011%); highest among the groups gnomAD compares: East Asian, 0.036%; no homozygotes.

Submissions (4):

PreventionGenetics, part of Exact Sciences
Classification: Uncertain significance for DSP-related condition. Last evaluated: 2026-03-06. Review status: criteria provided, single submitter. Criteria: ACMG Guidelines, 2015. Collection method: clinical testing. Allele origin: germline.
Comment: The DSP c.4043T>G variant is predicted to result in the amino acid substitution p.Leu1348Arg. This variant has been reported in individuals with arrhythmogenic right ventricular cardiomyopathy; one of the individuals also carried a frameshift variant in PKP2 (Table S3, Bao et al. 2013. PubMed ID: 24125834; Appendix S1, Ye et al. 2019. PubMed ID: 31402444; Table S5, Nagyova et al. 2023. PubMed ID: 37418234) This variant is reported in 0.016% of alleles in individuals of East Asian descent in gnomAD. At this time, the clinical significance of this variant is uncertain due to the absence of conclusive functional and genetic evidence.

Labcorp Genetics (formerly Invitae), Labcorp
Classification: Likely benign for Arrhythmogenic cardiomyopathy with wooly hair and keratoderma; Arrhythmogenic right ventricular dysplasia 8. Last evaluated: 2025-07-07. Review status: criteria provided, single submitter. Criteria: Invitae Variant Classification Sherloc (09022015). Collection method: clinical testing. Allele origin: germline.

All of Us Research Program, National Institutes of Health
Classification: Uncertain significance for Arrhythmogenic cardiomyopathy with wooly hair and keratoderma. Last evaluated: 2023-10-23. Review status: criteria provided, single submitter. Criteria: ACMG Guidelines, 2015. Collection method: clinical testing. Allele origin: germline. Inheritance: Autosomal dominant inheritance. Observed: 1 variant allele, 1 heterozygote.
Comment: This missense variant replaces leucine with arginine at codon 1348 of the DSP protein. Computational prediction suggests that this variant may have deleterious impact on protein structure and function (internally defined REVEL score threshold >= 0.7, PMID: 27666373). To our knowledge, functional studies have not been reported for this variant. This variant has been reported in two individual affected with arrhythmogenic right ventricular cardiomyopathy (PMID: 24125834, 37418234). At least one of these probands carried a pathogenic variant in a different gene that could explaim the observed disease. This variant has been identified in 4/250612 chromosomes in the general population by the Genome Aggregation Database (gnomAD). The available evidence is insufficient to determine the role of this variant in disease conclusively. Therefore, this variant is classified as a Variant of Uncertain Significance.

This study involves interpretation of variants in research participants for the purpose of population health screening. Participant phenotype was not available at the time of variant classification. Additional details can be found in publication PMID: 35346344, PMCID: PMC8962531

Color Diagnostics, LLC DBA Color Health
Classification: Uncertain significance for Cardiomyopathy. Last evaluated: 2023-10-06. Review status: criteria provided, single submitter. Criteria: ACMG Guidelines, 2015. Collection method: clinical testing. Allele origin: germline.
Comment: This missense variant replaces leucine with arginine at codon 1348 of the DSP protein. Computational prediction suggests that this variant may have deleterious impact on protein structure and function. To our knowledge, functional studies have not been reported for this variant. This variant has been reported in two individual affected with arrhythmogenic right ventricular cardiomyopathy (PMID: 24125834, 37418234). At least one of these probands carried a pathogenic variant in a different gene that could explaim the observed disease. This variant has been identified in 4/250612 chromosomes in the general population by the Genome Aggregation Database (gnomAD). The available evidence is insufficient to determine the role of this variant in disease conclusively. Therefore, this variant is classified as a Variant of Uncertain Significance.

Literature cited by the submitters: PubMed 24125834 (cited by All of Us Research Program, National Institutes of Health and Color Diagnostics, LLC DBA Color Health); PubMed 37418234 (cited by All of Us Research Program, National Institutes of Health and Color Diagnostics, LLC DBA Color Health).

NM_004415.4(DSP):c.4043T>G (p.Leu1348Arg)

Gene: DSP (desmoplakin; plus strand). Cytogenetic location: 6p24.3.
Variant type: single nucleotide variant.
Coding change: c.4043T>G on transcript NM_004415.4 (MANE Select); coding-DNA position 4043, T replaced by G.
Protein change: p.Leu1348Arg; replaces leucine 1348 with arginine.
Molecular consequence: missense variant. On other transcripts: intron variant (1).
Genome position (GRCh38, 1-based): chr6:7,580,233, T>G. VCF-style: chr6-7580233-T-G. GRCh37 (hg19) VCF-style: chr6-7580466-T-G.
Other names: c.4043T>G, p.Leu1348Arg (NM_001319034.2); c.3582+461T>G (NM_001008844.3); c.4043T>G (NM_004415.3); short protein forms L1348R.
Identifiers: ClinVar variation 1465560 (VCV001465560.9), dbSNP rs767003564, ClinGen allele CA039960.